The following is an entry in ClinVar:

NM_000081.4(LYST):c.7229+88_7229+89insCTTTG

Gene: LYST (lysosomal trafficking regulator; minus strand). Cytogenetic location: 1q42.3.
Variant type: Insertion.
Coding change: c.7229+88_7229+89insCTTTG on transcript NM_000081.4 (MANE Select); bases 88 to 89 of the intron after coding-DNA position 7229, CTTTG inserted.
Molecular consequence: intron variant.
Genome position: GRCh38 VCF-style: chr1-235755389-A-AAAAGC. GRCh37 (hg19) VCF-style: chr1-235918689-A-AAAAGC.
Other names: c.7229+88_7229+89insCTTTG (NM_001301365.1).
Identifiers: ClinVar variation 2687925 (VCV002687925.2), dbSNP rs1558194060, ClinGen allele CA2697555032.

ClinVar aggregate classification (germline): Benign (1 of 4 stars; one submission).

Submission:

Unidad de Genómica Garrahan, Hospital de Pediatría Garrahan
Classification: Benign. Last evaluated: 2024-01-24. Review status: criteria provided, single submitter. Criteria: ACMG Guidelines, 2015. Collection method: clinical testing. Allele origin: germline. Affected: no. Observed: 19 variant alleles.
Comment: This variant is classified as Benign based on local population frequency. This variant was detected in 20% of patients studied by a panel of primary immunodeficiencies. Number of patients: 19. Only high quality variants are reported.